The following is an entry in ClinVar:

NM_021098.3(CACNA1H):c.5422del (p.Asp1808fs)

Gene: CACNA1H (calcium voltage-gated channel subunit alpha1 H; plus strand). Cytogenetic location: 16p13.3.
Variant type: Deletion.
Coding change: c.5422del on transcript NM_021098.3 (MANE Select); coding-DNA position 5422, one base deleted (G; older notation c.5422delG).
Protein change: p.Asp1808fs; shifts the reading frame from aspartic acid 1808.
Molecular consequence: frameshift variant.
Genome position (GRCh38, 1-based): chr16:1,218,017, G deleted; the last of 5 consecutive G bases (chr16:1,218,013-1,218,017); deleting any one gives the same sequence. VCF-style (leftmost placement, unchanged base first): chr16-1218012-CG-C. GRCh37 (hg19) VCF-style: chr16-1268012-CG-C.
Other names: c.5404del, p.Asp1802fs (NM_001005407.2); c.5422delG (NM_021098.3); short protein forms D1802fs, D1808fs.
Identifiers: ClinVar variation 3339883 (VCV003339883.1).

ClinVar aggregate classification (germline): Uncertain significance (1 of 4 stars; one submission).

Submission:

Women's Health and Genetics/Laboratory Corporation of America, LabCorp
Classification: Uncertain significance. Last evaluated: 2024-06-21. Review status: criteria provided, single submitter. Criteria: LabCorp Variant Classification Summary - May 2015. Collection method: clinical testing. Allele origin: germline.
Comment: Variant summary: CACNA1H c.5422delG (p.Asp1808ThrfsX7) results in a premature termination codon, predicted to cause a truncation of the encoded protein or absence of the protein due to nonsense mediated decay, however the molecular mechanism of disease attributed to CACNA1H is gain-of-function. The variant was absent in 259412 control chromosomes. The available data on variant occurrences in the general population are insufficient to allow any conclusion about variant significance. To our knowledge, no occurrence of c.5422delG in individuals affected with Idiopathic Generalized Epilepsy and no experimental evidence demonstrating its impact on protein function have been reported. No submitters have cited clinical-significance assessments for this variant to ClinVar. Based on the evidence outlined above, the variant was classified as uncertain significance.